The following is an entry in ClinVar:

ClinVar aggregate classification (germline): Likely pathogenic (1 of 4 stars; one submission).

Conditions:
Intellectual disability, autosomal dominant 16 (CSS4). Also called: COFFIN-SIRIS SYNDROME 4. Identifiers: Orphanet 1465, MedGen C3553249, MONDO:0013821, OMIM 614609.

Submission:

Genetics and Molecular Pathology, SA Pathology
Classification: Likely pathogenic for Intellectual disability, autosomal dominant 16. Last evaluated: 2021-09-03. Review status: criteria provided, single submitter. Criteria: ACMG Guidelines, 2015. Collection method: clinical testing. Allele origin: germline. Inheritance: Autosomal dominant inheritance. Affected: yes.
Comment: The SMARCA4 c.1427T>G variant is classified as LIKELY PATHOGENIC (PM2, PP3, PS2) The SMARCA4 c.1427T>G variant is a single nucleotide change in exon 9 of the SMARCA4 gene, which is predicted to change the amino acid leucine at position 476 in the protein to arginine. It has not been reported in dbSNP and is absent from population databases (PM2). This variant has not been reported in the ClinVar or HGMD disease databases. Computational predictions support a deleterious effect on the gene or gene product (PP3).

NM_003072.5(SMARCA4):c.1427T>G (p.Leu476Arg)

Gene: SMARCA4 (SWI/SNF related BAF chromatin remodeling complex subunit ATPase 4; plus strand). Cytogenetic location: 19p13.2.
Variant type: single nucleotide variant.
Coding change: c.1427T>G on transcript NM_003072.5 (MANE Select); coding-DNA position 1427, T replaced by G.
Protein change: p.Leu476Arg; replaces leucine 476 with arginine.
Molecular consequence: missense variant. On other transcripts: non-coding transcript variant (1).
Genome position (GRCh38, 1-based): chr19:10,994,835, T>G. VCF-style: chr19-10994835-T-G. GRCh37 (hg19) VCF-style: chr19-11105511-T-G.
Other names: c.1427T>G, p.Leu476Arg (NM_001128844.3, NM_001128845.2, NM_001128846.2 and 5 more transcripts); short protein forms L476R.
Identifiers: ClinVar variation 1698826 (VCV001698826.2), dbSNP rs2145937134, ClinGen allele CA404061957.